The following is an entry in ClinVar:

NM_000179.3(MSH6):c.1282A>G (p.Lys428Glu)

Gene: MSH6 (mutS homolog 6; plus strand). Cytogenetic location: 2p16.3.
Variant type: single nucleotide variant.
Coding change: c.1282A>G on transcript NM_000179.3 (MANE Select); coding-DNA position 1282, A replaced by G.
Protein change: p.Lys428Glu; replaces lysine 428 with glutamic acid.
Molecular consequence: missense variant.
Genome position (GRCh38, 1-based): chr2:47,799,265, A>G. VCF-style: chr2-47799265-A-G. GRCh37 (hg19) VCF-style: chr2-48026404-A-G.
Other names: c.892A>G, p.Lys298Glu (NM_001281492.2); c.376A>G, p.Lys126Glu (NM_001281493.2, NM_001281494.2); short protein forms K428E, K298E, K126E.
Identifiers: ClinVar variation 455128 (VCV000455128.19), dbSNP rs761822293, ClinGen allele CA067440.
Genomic context (GRCh38, chr2:47,799,265, plus strand): 5'-CCTGGGATGAGGAAGTGGTGGCAGATTAAGTCTCAGAACTTTGATCTTGTCATCTGTTAC[A>G]AGGTGGGGAAATTTTATGAGCTGTACCACATGGATGCTCTTATTGGAGTCAGTGAACTGG-3'
Protein context (NP_000170.1, residues 418-438): SQNFDLVICY[Lys428Glu]VGKFYELYHM

ClinVar aggregate classification (germline): Conflicting classifications of pathogenicity. Review status: criteria provided, conflicting classifications (1 of 4 stars). 3 submissions from 3 submitters: Pathogenic (1); Uncertain significance (2). Last evaluated 2025-07-06.

Conditions:
Hereditary nonpolyposis colorectal neoplasms. Identifiers: MedGen C0009405, MeSH D003123.
Hereditary cancer-predisposing syndrome. Also called: Hereditary Cancer Syndrome; Hereditary neoplastic syndrome; Neoplastic Syndromes, Hereditary; Tumor predisposition. Identifiers: Orphanet 140162, MedGen C0027672, MeSH D009386, MONDO:0015356.

Allele frequency attached by ClinVar (database versions not stated): gnomAD exomes below 0.00001; ExAC 0.00001.
gnomAD v4.1: 4 of 1,614,104 alleles (0.00025%); highest among the groups gnomAD compares: Non-Finnish European, 0.00034%; no homozygotes.

Submissions (3):

Ambry Genetics
Classification: Pathogenic for Hereditary cancer-predisposing syndrome. Last evaluated: 2025-07-06. Review status: criteria provided, single submitter. Criteria: Ambry Variant Classification Scheme 2023. Collection method: clinical testing. Allele origin: germline.
Comment: The p.K428E pathogenic mutation (also known as c.1282A>G), located in coding exon 4 of the MSH6 gene, results from an A to G substitution at nucleotide position 1282. The lysine at codon 428 is replaced by glutamic acid, an amino acid with similar properties. This mutation was also found in multiple probands whose Lynch syndrome-associated tumors demonstrated high microsatellite instability (MSI-H) and/or isolated loss of MSH6 staining on immunohistochemistry, at least one of whom met Amsterdam criteria (Ambry internal data). Based on internal structural analysis, this variant is anticipated to result in a significant decrease in structural stability (Warren JJ et al. Mol Cell, 2007 May;26:579-92). This amino acid position is highly conserved in available vertebrate species. In addition, this alteration is predicted to be deleterious by in silico analysis. Based on the supporting evidence, this alteration is interpreted as a disease-causing mutation.

Labcorp Genetics (formerly Invitae), Labcorp
Classification: Uncertain significance for Hereditary nonpolyposis colorectal neoplasms. Last evaluated: 2023-01-18. Review status: criteria provided, single submitter. Criteria: Invitae Variant Classification Sherloc (09022015). Collection method: clinical testing. Allele origin: germline.
Comment: In summary, the available evidence is currently insufficient to determine the role of this variant in disease. Therefore, it has been classified as a Variant of Uncertain Significance. Algorithms developed to predict the effect of missense changes on protein structure and function (SIFT, PolyPhen-2, Align-GVGD) all suggest that this variant is likely to be disruptive. ClinVar contains an entry for this variant (Variation ID: 455128). This missense change has been observed in individual(s) with clinical features of Lynch syndrome (PMID: 28195393, 31297992). This variant is present in population databases (rs761822293, gnomAD 0.0009%). This sequence change replaces lysine, which is basic and polar, with glutamic acid, which is acidic and polar, at codon 428 of the MSH6 protein (p.Lys428Glu).

Color Diagnostics, LLC DBA Color Health
Classification: Uncertain significance for Hereditary cancer-predisposing syndrome. Last evaluated: 2018-12-29. Review status: criteria provided, single submitter. Criteria: ACMG Guidelines, 2015. Collection method: clinical testing. Allele origin: germline.

Literature cited by the submitters: PubMed 17531815 (cited by Ambry Genetics); PubMed 28195393 (cited by Ambry Genetics and Labcorp Genetics (formerly Invitae), Labcorp); PubMed 31297992 (cited by Labcorp Genetics (formerly Invitae), Labcorp).